The following is an entry in ClinVar:

ClinVar aggregate classification (germline): Pathogenic/Likely pathogenic. Review status: criteria provided, multiple submitters, no conflicts (2 of 4 stars). 4 submissions from 4 submitters: Pathogenic (3); Likely pathogenic (1). Last evaluated 2026-01-12.

Conditions:
Retinitis pigmentosa 25 (RP25). Identifiers: Orphanet 791, MedGen C1864446, MONDO:0011272, OMIM 602772.
EYS-related disorder. Also called: EYS-related condition.

Submissions (4):

Myriad Genetics, Inc.
Classification: Pathogenic for Retinitis pigmentosa 25. Last evaluated: 2026-01-12. Review status: criteria provided, single submitter. Criteria: Myriad Autosomal Dominant, Autosomal Recessive and X-Linked Classification Criteria (2023). Collection method: clinical testing. Allele origin: unknown.
Comment: NM_001142800.1(EYS):c.216delA(A73Lfs*12) is a frameshift variant classified as pathogenic in the context of retinitis pigmentosa, EYS-related. A73Lfs*12 has been observed in a case with relevant disease (PMID: 36833373). Relevant functional assessments of this variant are not available in the literature. A73Lfs*12 has not been observed in referenced population frequency databases. In summary, NM_001142800.1(EYS):c.216delA(A73Lfs*12) is a frameshift variant in a gene where loss of function is a known mechanism of disease, is predicted to disrupt protein function, and has been observed more frequently in cases with the relevant disease than in healthy populations. Please note: this variant was assessed in the context of healthy population screening.

Natera, Inc.
Classification: Likely pathogenic for Retinitis pigmentosa type 25. Last evaluated: 2024-12-18. Review status: criteria provided, single submitter. Criteria: Natera Variant Classification Schema (03/2026). Collection method: clinical testing. Allele origin: germline.
Comment: The c.216delA variant in EYS is a frameshift variant predicted to shift the reading frame beginning at codon 73 and leads to a stop codon 12 codons downstream. This variant is expected to result in nonsense mediated decay, truncation, or a dysfunctional protein product. This variant is rare in the general population with a frequency below the threshold expected for the associated phenotype(s). Given the available evidence, this variant is classified as Likely Pathogenic.

Labcorp Genetics (formerly Invitae), Labcorp
Classification: Pathogenic. Last evaluated: 2024-03-02. Review status: criteria provided, single submitter. Criteria: Invitae Variant Classification Sherloc (09022015). Collection method: clinical testing. Allele origin: germline.
Comment: This sequence change creates a premature translational stop signal (p.Ala73Leufs*12) in the EYS gene. It is expected to result in an absent or disrupted protein product. Loss-of-function variants in EYS are known to be pathogenic (PMID: 18836446, 20333770). This variant is not present in population databases (gnomAD no frequency). This premature translational stop signal has been observed in individual(s) with retinitis pigmentosa (Invitae). ClinVar contains an entry for this variant (Variation ID: 867116). For these reasons, this variant has been classified as Pathogenic.

Blueprint Genetics
Classification: Pathogenic for EYS-related disorders. Last evaluated: 2021-01-19. Review status: criteria provided, single submitter. Criteria: ACMG Guidelines, 2015. Collection method: clinical testing. Allele origin: germline. Affected: yes. Observed: 4 variant alleles.

Literature cited by the submitters: PubMed 36833373 (cited by Myriad Genetics, Inc.); PubMed 18836446 (cited by Labcorp Genetics (formerly Invitae), Labcorp); PubMed 20333770 (cited by Labcorp Genetics (formerly Invitae), Labcorp).

NM_001142800.2(EYS):c.216del (p.Ala73fs)

Gene: EYS (EGF-like photoreceptor maintenance factor; minus strand). Cytogenetic location: 6q12.
Variant type: Deletion.
Coding change: c.216del on transcript NM_001142800.2 (MANE Select); coding-DNA position 216, one base deleted (A; older notation c.216delA).
Protein change: p.Ala73fs; shifts the reading frame from alanine 73.
Molecular consequence: frameshift variant.
Genome position (GRCh38, 1-based): chr6:65,495,195, T deleted on the plus strand (A on the coding strand, the reverse complement: EYS is on the minus strand); the first of 2 consecutive T bases (chr6:65,495,195-65,495,196); deleting either gives the same sequence. VCF-style (leftmost placement, unchanged base first): chr6-65495194-CT-C. GRCh37 (hg19) VCF-style: chr6-66205087-CT-C.
Other names: c.216del, p.Ala73fs (NM_001142801.2, NM_001292009.2, NM_198283.2); c.216delA (NM_001142800.1); short protein forms A73fs.
Identifiers: ClinVar variation 867116 (VCV000867116.14), dbSNP rs1459031771, ClinGen allele CA827149450.